The following is an entry in ClinVar:

NM_001723.7(DST):c.3844G>A (p.Asp1282Asn)

Gene: DST (dystonin; minus strand). Cytogenetic location: 6p12.1.
Variant type: single nucleotide variant.
Coding change: c.3844G>A on transcript NM_001723.7 (MANE Plus Clinical); coding-DNA position 3844, G replaced by A.
Protein change: p.Asp1282Asn; replaces aspartic acid 1282 with asparagine.
Molecular consequence: missense variant. On other transcripts: intron variant (10).
Genome position (GRCh38, 1-based): chr6:56,620,190, C>T on the plus strand (G>A on the coding strand, the complement: DST is on the minus strand). VCF-style: chr6-56620190-C-T. GRCh37 (hg19) VCF-style: chr6-56484988-C-T.
Other names: c.4830+4340G>A (NM_001144769.5); c.4929+4340G>A (NM_001374722.1, NM_001374736.1); c.4956+4340G>A (NM_001374734.1); c.4416+4340G>A (NM_001144770.2); c.4296+4340G>A (NM_001374730.1, NM_001386100.1, NM_183380.4 and 1 more transcripts); c.3318+4340G>A (NM_015548.5); short protein forms D1282N.
Identifiers: ClinVar variation 1487411 (VCV001487411.8), dbSNP rs2098675495, ClinGen allele CA364571003.

ClinVar aggregate classification (germline): Uncertain significance (1 of 4 stars; one submission).

Conditions:
Hereditary sensory and autonomic neuropathy type 6. Also called: HSAN VI; Neuropathy, hereditary sensory and autonomic, type VI. Identifiers: Orphanet 314381, MedGen C3539003, MONDO:0013839, OMIM 614653.
Epidermolysis bullosa simplex 3, localized or generalized intermediate, with BP230 deficiency (EBS3). Also called: Epidermolysis bullosa simplex, autosomal recessive 2; Epidermolysis bullosa simplex due to BP230 deficiency. Identifiers: Orphanet 412181, MedGen C3809470, MONDO:0014180, OMIM 615425.

Allele frequency attached by ClinVar (database versions not stated): gnomAD exomes below 0.00001.
gnomAD v4.1: 3 of 1,613,546 alleles (0.00019%); highest among the groups gnomAD compares: Non-Finnish European, 0.00025%; no homozygotes.

Submission:

Labcorp Genetics (formerly Invitae), Labcorp
Classification: Uncertain significance for Epidermolysis bullosa simplex 3, localized or generalized intermediate, with BP230 deficiency; Hereditary sensory and autonomic neuropathy type 6. Last evaluated: 2025-02-20. Review status: criteria provided, single submitter. Criteria: Invitae Variant Classification Sherloc (09022015). Collection method: clinical testing. Allele origin: germline.
Comment: This sequence change replaces aspartic acid, which is acidic and polar, with asparagine, which is neutral and polar, at codon 1282 of the DST protein (p.Asp1282Asn). This variant is not present in population databases (gnomAD no frequency). This variant has not been reported in the literature in individuals affected with DST-related conditions. ClinVar contains an entry for this variant (Variation ID: 1487411). An algorithm developed to predict the effect of missense changes on protein structure and function (PolyPhen-2) suggests that this variant is likely to be tolerated. In summary, the available evidence is currently insufficient to determine the role of this variant in disease. Therefore, it has been classified as a Variant of Uncertain Significance.